The following is an entry in ClinVar:

ClinVar aggregate classification (germline): Uncertain significance (1 of 4 stars; one submission).

Allele frequency attached by ClinVar (database versions not stated): TOPMed below 0.00001.

Submission:

Labcorp Genetics (formerly Invitae), Labcorp
Classification: Uncertain significance. Last evaluated: 2022-07-19. Review status: criteria provided, single submitter. Criteria: Invitae Variant Classification Sherloc (09022015). Collection method: clinical testing. Allele origin: germline.
Comment: This sequence change replaces methionine, which is neutral and non-polar, with threonine, which is neutral and polar, at codon 590 of the DENND5A protein (p.Met590Thr). This variant is not present in population databases (gnomAD no frequency). This variant has not been reported in the literature in individuals affected with DENND5A-related conditions. Algorithms developed to predict the effect of missense changes on protein structure and function are either unavailable or do not agree on the potential impact of this missense change (SIFT: "Deleterious"; PolyPhen-2: "Benign"; Align-GVGD: "Class C0"). In summary, the available evidence is currently insufficient to determine the role of this variant in disease. Therefore, it has been classified as a Variant of Uncertain Significance.

NM_015213.4(DENND5A):c.1769T>C (p.Met590Thr)

Gene: DENND5A (DENN domain containing 5A; minus strand). Cytogenetic location: 11p15.4.
Variant type: single nucleotide variant.
Coding change: c.1769T>C on transcript NM_015213.4 (MANE Select); coding-DNA position 1769, T replaced by C.
Protein change: p.Met590Thr; replaces methionine 590 with threonine.
Molecular consequence: missense variant. On other transcripts: non-coding transcript variant (1).
Genome position (GRCh38, 1-based): chr11:9,178,269, A>G on the plus strand (T>C on the coding strand, the complement: DENND5A is on the minus strand). VCF-style: chr11-9178269-A-G. GRCh37 (hg19) VCF-style: chr11-9199816-A-G.
Other names: c.1769T>C, p.Met590Thr (NM_001243254.2, NM_001348748.1); c.1697T>C, p.Met566Thr (NM_001348749.2); c.1481T>C, p.Met494Thr (NM_001348750.2); short protein forms M494T, M566T, M590T.
Identifiers: ClinVar variation 2176977 (VCV002176977.4), dbSNP rs1754257807, ClinGen allele CA379614626.
Genomic context (GRCh38, chr11:9,178,269, plus strand): 5'-TTGTCAACTCGGGAATCAAATACCCGGAGTACAGGGTCTTTATCATCATCATCATGACAC[A>G]TTATTTTGTTGTCAATGAAAGATGCAAACATCTGGGTCTCCAGGAATCTTGAGAGGAAGG-3'
Protein context (NP_056028.2, residues 580-600): MFASFIDNKI[Met590Thr]CHDDDDKDPV